The following is an entry in ClinVar:

ClinVar aggregate classification (germline): Uncertain significance. Review status: criteria provided, multiple submitters, no conflicts (2 of 4 stars). 2 submissions from 2 submitters: Uncertain significance (2). Last evaluated 2025-06-10.

Conditions:
Cardiovascular phenotype. Identifiers: MedGen CN230736.
Dilated cardiomyopathy 1AA (CMD1AA). Also called: CARDIOMYOPATHY, DILATED, 1AA, WITH OR WITHOUT LEFT VENTRICULAR NONCOMPACTION; CARDIOMYOPATHY, FAMILIAL HYPERTROPHIC, 23, WITH OR WITHOUT LEFT VENTRICULAR NONCOMPACTION; Cardiomyopathy, dilated, 1AA, with or without LVNC. Identifiers: Orphanet 154, MedGen C2677338, MONDO:0012808, OMIM 612158.
Primary familial hypertrophic cardiomyopathy (HCM). Identifiers: Orphanet 99739, MedGen C0949658, MeSH D024741, MONDO:0024573. Inheritance: Various modes of inheritance.

gnomAD v4.1: 1 of 1,614,198 alleles (0.000062%); highest among the groups gnomAD compares: Non-Finnish European, 0.000085%; no homozygotes.

Submissions (2):

Labcorp Genetics (formerly Invitae), Labcorp
Classification: Uncertain significance for Primary familial hypertrophic cardiomyopathy; Dilated cardiomyopathy 1AA. Last evaluated: 2025-06-10. Review status: criteria provided, single submitter. Criteria: Invitae Variant Classification Sherloc (09022015). Collection method: clinical testing. Allele origin: germline.
Comment: This sequence change replaces lysine, which is basic and polar, with asparagine, which is neutral and polar, at codon 383 of the ACTN2 protein (p.Lys383Asn). This variant is not present in population databases (gnomAD no frequency). This variant has not been reported in the literature in individuals affected with ACTN2-related conditions. ClinVar contains an entry for this variant (Variation ID: 2447691). Invitae Evidence Modeling of protein sequence and biophysical properties (such as structural, functional, and spatial information, amino acid conservation, physicochemical variation, residue mobility, and thermodynamic stability) indicates that this missense variant is expected to disrupt ACTN2 protein function with a positive predictive value of 80%. In summary, the available evidence is currently insufficient to determine the role of this variant in disease. Therefore, it has been classified as a Variant of Uncertain Significance.

Ambry Genetics
Classification: Uncertain significance for Cardiovascular phenotype. Last evaluated: 2023-01-22. Review status: criteria provided, single submitter. Criteria: Ambry Variant Classification Scheme 2023. Collection method: clinical testing. Allele origin: germline.
Comment: The p.K383N variant (also known as c.1149G>T), located in coding exon 11 of the ACTN2 gene, results from a G to T substitution at nucleotide position 1149. The lysine at codon 383 is replaced by asparagine, an amino acid with similar properties. This amino acid position is conserved. In addition, this alteration is predicted to be tolerated by in silico analysis. Since supporting evidence is limited at this time, the clinical significance of this alteration remains unclear.

NM_001103.4(ACTN2):c.1149G>T (p.Lys383Asn)

Gene: ACTN2 (actinin alpha 2; plus strand). Cytogenetic location: 1q43.
Variant type: single nucleotide variant.
Coding change: c.1149G>T on transcript NM_001103.4 (MANE Select); coding-DNA position 1149, G replaced by T.
Protein change: p.Lys383Asn; replaces lysine 383 with asparagine.
Molecular consequence: missense variant. On other transcripts: non-coding transcript variant (1).
Genome position (GRCh38, 1-based): chr1:236,742,937, G>T. VCF-style: chr1-236742937-G-T. GRCh37 (hg19) VCF-style: chr1-236906237-G-T.
Other names: c.1149G>T, p.Lys383Asn (NM_001278343.2); c.525G>T, p.Lys175Asn (NM_001278344.2); c.399G>T, p.Lys133Asn (NM_001412150.1); short protein forms K133N, K175N, K383N.
Identifiers: ClinVar variation 2447691 (VCV002447691.4), dbSNP rs369085364, ClinGen allele CA345382130.